The following is an entry in ClinVar:

NM_001037.5(SCN1B):c.69G>C (p.Glu23Asp)

Gene: SCN1B (sodium voltage-gated channel beta subunit 1; plus strand). Cytogenetic location: 19q13.11.
Variant type: single nucleotide variant.
Coding change: c.69G>C on transcript NM_001037.5 (MANE Select); coding-DNA position 69, G replaced by C.
Protein change: p.Glu23Asp; replaces glutamic acid 23 with aspartic acid.
Molecular consequence: missense variant. On other transcripts: 5 prime UTR variant (1).
Genome position (GRCh38, 1-based): chr19:35,032,556, G>C. VCF-style: chr19-35032556-G-C. GRCh37 (hg19) VCF-style: chr19-35523460-G-C.
Other names: c.-31G>C (NM_001321605.2); c.69G>C, p.Glu23Asp (NM_199037.5); short protein forms E23D.
Identifiers: ClinVar variation 519511 (VCV000519511.13), dbSNP rs762553865, ClinGen allele CA9371950.
Genomic context (GRCh38, chr19:35,032,556, plus strand): 5'-CTCTGCCTGACCTGAGCCTGCTGTCCCCACAGTGTCCTCAGCCTGCGGGGGCTGCGTGGA[G>C]GTGGACTCGGAGACCGAGGCCGTGTATGGGATGACCTTCAAAATTCTTTGCATCTCCTGC-3'
Protein context (NP_001028.1, residues 13-33): LVSSACGGCV[Glu23Asp]VDSETEAVYG

ClinVar aggregate classification (germline): Uncertain significance. Review status: criteria provided, multiple submitters, no conflicts (2 of 4 stars). 4 submissions from 4 submitters: Uncertain significance (3). 1 of the submissions does not count toward it. Last evaluated 2026-03-30.

Conditions:
Cardiovascular phenotype. Identifiers: MedGen CN230736.
SCN1B-related disorder. Also called: SCN1B-related condition; SCN1B-Related Disorders.
Brugada syndrome 5 (BRGDA5). Identifiers: Orphanet 130, Orphanet 871, MedGen C2748541, MONDO:0013015, OMIM 612838.

Allele frequency attached by ClinVar (database versions not stated): gnomAD exomes below 0.00001; TOPMed 0.00001; ExAC 0.00001; gnomAD 0.00001.
gnomAD v4.1: 6 of 1,613,896 alleles (0.00037%); highest among the groups gnomAD compares: Non-Finnish European, 0.00051%; no homozygotes.

Submissions (4):

GeneDx
Classification: Uncertain significance. Last evaluated: 2026-03-30. Review status: criteria provided, single submitter. Criteria: GeneDx Variant Classification Process June 2021. Collection method: clinical testing. Allele origin: germline.
Comment: Not observed at significant frequency in large population cohorts (gnomAD); In silico analysis suggests that this missense variant does not alter protein structure/function; Has not been previously published as pathogenic or benign to our knowledge

Labcorp Genetics (formerly Invitae), Labcorp
Classification: Uncertain significance for Brugada syndrome 5. Last evaluated: 2025-10-10. Review status: criteria provided, single submitter. Criteria: Invitae Variant Classification Sherloc (09022015). Collection method: clinical testing. Allele origin: germline.
Comment: This sequence change replaces glutamic acid, which is acidic and polar, with aspartic acid, which is acidic and polar, at codon 23 of the SCN1B protein (p.Glu23Asp). This variant is present in population databases (rs762553865, gnomAD 0.0009%). This variant has not been reported in the literature in individuals affected with SCN1B-related conditions. ClinVar contains an entry for this variant (Variation ID: 519511). An algorithm developed to predict the effect of missense changes on protein structure and function (PolyPhen-2) suggests that this variant is likely to be disruptive. In summary, the available evidence is currently insufficient to determine the role of this variant in disease. Therefore, it has been classified as a Variant of Uncertain Significance.

Ambry Genetics
Classification: Uncertain significance for Cardiovascular phenotype. Last evaluated: 2025-08-20. Review status: criteria provided, single submitter. Criteria: Ambry Variant Classification Scheme 2023. Collection method: clinical testing. Allele origin: germline.
Comment: The p.E23D variant (also known as c.69G>C), located in coding exon 2 of the SCN1B gene, results from a G to C substitution at nucleotide position 69. The glutamic acid at codon 23 is replaced by aspartic acid, an amino acid with highly similar properties. This amino acid position is highly conserved in available vertebrate species. In addition, the in silico prediction for this alteration is inconclusive. Based on the available evidence, the clinical significance of this variant remains unclear.

PreventionGenetics, part of Exact Sciences
Classification: Uncertain significance for SCN1B-related condition. Last evaluated: 2024-02-01. Review status: no assertion criteria provided. Collection method: clinical testing. Allele origin: germline. Not counted in ClinVar's aggregate classification.
Comment: The SCN1B c.69G>C variant is predicted to result in the amino acid substitution p.Glu23Asp. To our knowledge, this variant has not been reported in the literature. This variant is reported in 0.00088% of alleles in individuals of European (Non-Finnish) descent in gnomAD. At this time, the clinical significance of this variant is uncertain due to the absence of conclusive functional and genetic evidence.